The following is an entry in ClinVar:

ClinVar aggregate classification (germline): Uncertain significance (1 of 4 stars; one submission).

Conditions:
Werner syndrome (WRN). Identifiers: Orphanet 902, MedGen C0043119, MONDO:0010196, OMIM 277700.

Allele frequency attached by ClinVar (database versions not stated): gnomAD 0.00001; TOPMed 0.00001.
gnomAD v4.1: 1 of 1,609,572 alleles (0.000062%); highest among the groups gnomAD compares: East Asian, 0.0022%; no homozygotes.

Submission:

Labcorp Genetics (formerly Invitae), Labcorp
Classification: Uncertain significance for Werner syndrome. Last evaluated: 2024-08-10. Review status: criteria provided, single submitter. Criteria: Invitae Variant Classification Sherloc (09022015). Collection method: clinical testing. Allele origin: germline.
Comment: This sequence change falls in intron 9 of the WRN gene. It does not directly change the encoded amino acid sequence of the WRN protein. This variant is not present in population databases (gnomAD no frequency). This variant has not been reported in the literature in individuals affected with WRN-related conditions. ClinVar contains an entry for this variant (Variation ID: 1470758). Algorithms developed to predict the effect of sequence changes on RNA splicing suggest that this variant may disrupt the consensus splice site. In summary, the available evidence is currently insufficient to determine the role of this variant in disease. Therefore, it has been classified as a Variant of Uncertain Significance.

NM_000553.6(WRN):c.1270-5T>A

Gene: WRN (WRN RecQ like helicase; plus strand). Cytogenetic location: 8p12.
Variant type: single nucleotide variant.
Coding change: c.1270-5T>A on transcript NM_000553.6 (MANE Select); 5 bases into the intron before coding-DNA position 1270, T replaced by A.
Molecular consequence: intron variant.
Genome position (GRCh38, 1-based): chr8:31,083,694, T>A. VCF-style: chr8-31083694-T-A. GRCh37 (hg19) VCF-style: chr8-30941210-T-A.
Identifiers: ClinVar variation 1470758 (VCV001470758.8), dbSNP rs1348438150, ClinGen allele CA850729659.